The following is an entry in ClinVar:

NM_001321075.3(DLG4):c.937C>T (p.Arg313Ter)

Genes: DLG4 (discs large MAGUK scaffold protein 4; minus strand), LOC126862479 (MED14-independent group 3 enhancer GRCh37_chr17:7099412-7100611; plus strand). Cytogenetic location: 17p13.1.
Variant type: single nucleotide variant.
Coding change: c.937C>T on transcript NM_001321075.3 (MANE Select); coding-DNA position 937, C replaced by T.
Protein change: p.Arg313Ter; replaces arginine 313 with a stop codon.
Molecular consequence: nonsense. On other transcripts: non-coding transcript variant (1).
Genome position (GRCh38, 1-based): chr17:7,196,903, G>A on the plus strand (C>T on the coding strand, the complement: DLG4 is on the minus strand). VCF-style: chr17-7196903-G-A. GRCh37 (hg19) VCF-style: chr17-7100222-G-A.
Other names: c.928C>T, p.Arg310Ter (NM_001128827.4); c.1057C>T, p.Arg353Ter (NM_001321074.1); c.757C>T, p.Arg253Ter (NM_001321076.3, NM_001321077.3); c.1066C>T, p.Arg356Ter (NM_001365.5); c.856C>T, p.Arg286Ter (NM_001369566.3); c.1066C>T (NM_001365.3); short protein forms R253*, R286*, R310*, R313*, R353*, R356*.
Identifiers: ClinVar variation 2498092 (VCV002498092.5), dbSNP rs2507946309, ClinGen allele CA397716823.

ClinVar aggregate classification (germline): Pathogenic. Review status: criteria provided, multiple submitters, no conflicts (2 of 4 stars). 5 submissions from 5 submitters: Pathogenic (5). Last evaluated 2025-03-30.

Conditions:
Inborn genetic diseases. Identifiers: MedGen C0950123, MeSH D030342.
Intellectual developmental disorder 62. Also called: MENTAL RETARDATION, AUTOSOMAL DOMINANT 62; INTELLECTUAL DEVELOPMENTAL DISORDER, AUTOSOMAL DOMINANT 62. Identifiers: MedGen C5394083, MONDO:0032919, OMIM 618793.

Submissions (5):

Labcorp Genetics (formerly Invitae), Labcorp
Classification: Pathogenic. Last evaluated: 2025-03-30. Review status: criteria provided, single submitter. Criteria: Invitae Variant Classification Sherloc (09022015). Collection method: clinical testing. Allele origin: germline.
Comment: This sequence change creates a premature translational stop signal (p.Arg356*) in the DLG4 gene. It is expected to result in an absent or disrupted protein product. Loss-of-function variants in DLG4 are known to be pathogenic (PMID: 27479843, 29460436). This variant is not present in population databases (gnomAD no frequency). This variant has not been reported in the literature in individuals affected with DLG4-related conditions. ClinVar contains an entry for this variant (Variation ID: 2498092). Algorithms developed to predict the effect of sequence changes on RNA splicing suggest that this variant may create or strengthen a splice site. For these reasons, this variant has been classified as Pathogenic.

3billion
Classification: Pathogenic for Intellectual developmental disorder 62. Last evaluated: 2025-02-26. Review status: criteria provided, single submitter. Criteria: ACMG Guidelines, 2015. Collection method: clinical testing. Allele origin: germline. Affected: yes.
Comment: The variant is not observed in the gnomAD v4.1.0 dataset. Predicted Consequence/Location: Stop-gained (nonsense): predicted to result in a loss or disruption of normal protein function through nonsense-mediated decay (NMD) or protein truncation. Multiple pathogenic variants are reported downstream of the variant. In silico tools predict the variant to alter splicing and produce an abnormal transcript [SpliceAI: 0.71 (spliceogenicity >=0.2, non-spliceogenicity <0.1)]. The variant has been reported at least twice as pathogenic with clinical assertions and evidence for the classification (ClinVar ID: VCV002498092 /PMID: 36368308). Therefore, this variant is classified as Pathogenic according to the recommendation of ACMG/AMP guideline.

Ambry Genetics
Classification: Pathogenic for Inborn genetic diseases. Last evaluated: 2024-03-01. Review status: criteria provided, single submitter. Criteria: Ambry Variant Classification Scheme 2023. Collection method: clinical testing. Allele origin: germline.
Comment: The c.1066C>T (p.R356*) alteration, located in exon 11 (coding exon 11) of the DLG4 gene, consists of a C to T substitution at nucleotide position 1066. This changes the amino acid from a arginine (R) to a stop codon at amino acid position 356. This alteration is expected to result in loss of function by premature protein truncation or nonsense-mediated mRNA decay. This variant was not reported in population-based cohorts in the Genome Aggregation Database (gnomAD). Based on the available evidence, this alteration is classified as pathogenic.

Greenwood Genetic Center Diagnostic Laboratories, Greenwood Genetic Center
Classification: Pathogenic for Intellectual developmental disorder 62. Last evaluated: 2023-09-14. Review status: criteria provided, single submitter. Criteria: ACMG Guidelines, 2015. Collection method: clinical testing. Allele origin: germline. Affected: yes.
Comment: PVS1, PS2, PM2

Tumer Group, Copenhagen University Hospital, Rigshospitalet
Classification: Pathogenic for Intellectual developmental disorder 62. Last evaluated: 2023-02-28. Review status: criteria provided, single submitter. Criteria: ACMG Guidelines, 2015. Collection method: research. Allele origin: de novo. Affected: yes.

Literature cited by the submitters: PubMed 27479843 (cited by Labcorp Genetics (formerly Invitae), Labcorp); PubMed 29460436 (cited by Labcorp Genetics (formerly Invitae), Labcorp); PubMed 36368308 (cited by 3billion).